The following is an entry in ClinVar:

ClinVar aggregate classification (germline): Likely benign (0 of 4 stars; one submission).

Conditions:
ACADS-related disorder. Also called: ACADS-related condition.

Allele frequency attached by ClinVar (database versions not stated): 1000 Genomes Project 30x 0.00016; ExAC 0.00016; 1000 Genomes Project 0.00020; gnomAD 0.00023; TOPMed 0.00033.
gnomAD v4.1: 71 of 1,601,796 alleles (0.0044%); highest among the groups gnomAD compares: African/African-American, 0.079%; no homozygotes.

Submission:

PreventionGenetics, part of Exact Sciences
Classification: Likely benign for ACADS-related condition. Last evaluated: 2021-07-07. Review status: no assertion criteria provided. Collection method: clinical testing. Allele origin: germline.
Comment: This variant is classified as likely benign based on ACMG/AMP sequence variant interpretation guidelines (Richards et al. 2015 PMID: 25741868, with internal and published modifications).

NM_000017.4(ACADS):c.625-89G>A

Gene: ACADS (acyl-CoA dehydrogenase short chain; plus strand). Cytogenetic location: 12q24.31.
Variant type: single nucleotide variant.
Coding change: c.625-89G>A on transcript NM_000017.4 (MANE Select); 89 bases into the intron before coding-DNA position 625, G replaced by A.
Molecular consequence: intron variant.
Genome position (GRCh38, 1-based): chr12:120,738,191, G>A. VCF-style: chr12-120738191-G-A. GRCh37 (hg19) VCF-style: chr12-121175994-G-A.
Other names: c.612+3G>A (NM_001302554.2).
Identifiers: ClinVar variation 3032187 (VCV003032187.2), dbSNP rs576569093, ClinGen allele CA6830992.